The following is an entry in ClinVar:

NM_001378452.1(ITPR1):c.6159A>C (p.Gln2053His)

Gene: ITPR1 (inositol 1,4,5-trisphosphate receptor type 1; plus strand). Cytogenetic location: 3p26.1.
Variant type: single nucleotide variant.
Coding change: c.6159A>C on transcript NM_001378452.1 (MANE Select); coding-DNA position 6159, A replaced by C.
Protein change: p.Gln2053His; replaces glutamine 2053 with histidine.
Molecular consequence: missense variant.
Genome position (GRCh38, 1-based): chr3:4,775,421, A>C. VCF-style: chr3-4775421-A-C. GRCh37 (hg19) VCF-style: chr3-4817105-A-C.
Other names: c.6015A>C, p.Gln2005His (NM_001099952.4); c.6114A>C, p.Gln2038His (NM_001168272.2); c.5970A>C, p.Gln1990His (NM_002222.7); short protein forms Q1990H, Q2005H, Q2038H, Q2053H.
Identifiers: ClinVar variation 2580473 (VCV002580473.2), dbSNP rs2470063269, ClinGen allele CA351637399.

ClinVar aggregate classification (germline): Uncertain significance (1 of 4 stars; one submission).

Submission:

GeneDx
Classification: Uncertain significance. Last evaluated: 2025-03-08. Review status: criteria provided, single submitter. Criteria: GeneDx Variant Classification Process June 2021. Collection method: clinical testing. Allele origin: germline.
Comment: Not observed at significant frequency in large population cohorts (gnomAD); In silico analysis supports that this missense variant has a deleterious effect on protein structure/function; Has not been previously published as pathogenic or benign to our knowledge